The following is an entry in ClinVar:

NM_015346.4(ZFYVE26):c.3394C>T (p.Gln1132Ter)

Gene: ZFYVE26 (zinc finger FYVE-type containing 26; minus strand). Cytogenetic location: 14q24.1.
Variant type: single nucleotide variant.
Coding change: c.3394C>T on transcript NM_015346.4 (MANE Select); coding-DNA position 3394, C replaced by T.
Protein change: p.Gln1132Ter; replaces glutamine 1132 with a stop codon.
Molecular consequence: nonsense.
Genome position (GRCh38, 1-based): chr14:67,785,188, G>A on the plus strand (C>T on the coding strand, the complement: ZFYVE26 is on the minus strand). VCF-style: chr14-67785188-G-A. GRCh37 (hg19) VCF-style: chr14-68251905-G-A.
Other names: short protein forms Q1132*.
Identifiers: ClinVar variation 1726641 (VCV001726641.2), dbSNP rs2502814026, ClinGen allele CA390172345.

ClinVar aggregate classification (germline): Likely pathogenic (1 of 4 stars; one submission).

Conditions:
Hereditary spastic paraplegia 15 (SPG15). Also called: SPASTIC PARAPLEGIA 15, AUTOSOMAL RECESSIVE; KJELLIN SYNDROME; SPASTIC PARAPLEGIA AND RETINAL DEGENERATION. Identifiers: Orphanet 100996, MedGen C1849128, MONDO:0010044, OMIM 270700.

Submission:

Myriad Genetics, Inc.
Classification: Likely pathogenic for Hereditary spastic paraplegia 15. Last evaluated: 2021-12-30. Review status: criteria provided, single submitter. Criteria: Myriad Women's Health Autosomal Recessive and X-Linked Classification Criteria (2021). Collection method: clinical testing. Allele origin: unknown.
Comment: NM_015346.3(ZFYVE26):c.3394C>T(Q1132*) is expected to be pathogenic in the context of spastic paraplegia type 15. This variant is predicted to lead to an abnormal or absent protein product due to the creation of a premature termination codon in ZFYVE26, a gene where loss-of-function variants are known to be pathogenic. Please note: this variant was assessed in the context of healthy population screening.